The following is an entry in ClinVar:

ClinVar aggregate classification (germline): Uncertain significance (1 of 4 stars; one submission).

Conditions:
Lui-Jee-Baron syndrome (LJBS). Identifiers: MedGen C5882664, MONDO:0957919, OMIM 301114.

Submission:

Department of Clinical Genetics, Copenhagen University Hospital, Rigshospitalet
Classification: Uncertain significance for Lui-Jee-Baron syndrome. Last evaluated: 2025-03-04. Review status: criteria provided, single submitter. Criteria: ACMG Guidelines, 2015. Collection method: clinical testing. Allele origin: germline. Affected: yes.
Comment: The following ACMG criteria has been used: PM2_Sup

Literature cited by the submitters: PubMed 36927955.

NM_001012968.3(SPIN4):c.725T>A (p.Val242Asp)

Genes: SPIN4 (spindlin family member 4; minus strand), SPIN4-AS1 (SPIN4 antisense RNA 1; plus strand). Cytogenetic location: Xq11.1.
Variant type: single nucleotide variant.
Coding change: c.725T>A on transcript NM_001012968.3 (MANE Select); coding-DNA position 725, T replaced by A.
Protein change: p.Val242Asp; replaces valine 242 with aspartic acid.
Molecular consequence: missense variant.
Genome position (GRCh38, 1-based): chrX:63,350,095, A>T on the plus strand (T>A on the coding strand, the complement: SPIN4 is on the minus strand). VCF-style: chrX-63350095-A-T. GRCh37 (hg19) VCF-style: chrX-62569974-A-T.
Other names: short protein forms V242D.
Identifiers: ClinVar variation 3899282 (VCV003899282.1).